The following is an entry in ClinVar:

NM_000287.4(PEX6):c.424C>T (p.Arg142Trp)

Gene: PEX6 (peroxisomal biogenesis factor 6; minus strand). Cytogenetic location: 6p21.1.
Variant type: single nucleotide variant.
Coding change: c.424C>T on transcript NM_000287.4 (MANE Select); coding-DNA position 424, C replaced by T.
Protein change: p.Arg142Trp; replaces arginine 142 with tryptophan.
Molecular consequence: missense variant. On other transcripts: non-coding transcript variant (1).
Genome position (GRCh38, 1-based): chr6:42,978,727, G>A on the plus strand (C>T on the coding strand, the complement: PEX6 is on the minus strand). VCF-style: chr6-42978727-G-A. GRCh37 (hg19) VCF-style: chr6-42946465-G-A.
Other names: c.424C>T, p.Arg142Trp (NM_001316313.2); c.424C>T (NM_000287.3); short protein forms R142W.
Identifiers: ClinVar variation 2144039 (VCV002144039.3), dbSNP rs1770422443, ClinGen allele CA364165644.

ClinVar aggregate classification (germline): Uncertain significance. Review status: criteria provided, multiple submitters, no conflicts (2 of 4 stars). 2 submissions from 2 submitters: Uncertain significance (2). Last evaluated 2026-07-28.

Conditions:
PEX6-related disorder. Also called: PEX6-related condition; PEX6-related disorders.
Peroxisome biogenesis disorder. Identifiers: Orphanet 79189, MedGen C1832200, MONDO:0019234. Disease mechanism: loss of function.

Allele frequency attached by ClinVar (database versions not stated): gnomAD 0.00001; TOPMed 0.00001.

Submissions (2):

PreventionGenetics, part of Exact Sciences
Classification: Uncertain significance for PEX6-related condition. Last evaluated: 2026-07-28. Review status: criteria provided, single submitter. Criteria: ACMG Guidelines, 2015. Collection method: clinical testing. Allele origin: germline.
Comment: The PEX6 c.424C>T variant is predicted to result in the amino acid substitution p.Arg142Trp. To our knowledge, this variant has not been reported in the literature or in a large population database (gnomAD), indicating this variant is rare. At this time, the clinical significance of this variant is uncertain due to the absence of conclusive functional and genetic evidence.

Labcorp Genetics (formerly Invitae), Labcorp
Classification: Uncertain significance for Peroxisome biogenesis disorder. Last evaluated: 2024-05-06. Review status: criteria provided, single submitter. Criteria: Invitae Variant Classification Sherloc (09022015). Collection method: clinical testing. Allele origin: germline.
Comment: This sequence change replaces arginine, which is basic and polar, with tryptophan, which is neutral and slightly polar, at codon 142 of the PEX6 protein (p.Arg142Trp). This variant is not present in population databases (gnomAD no frequency). This variant has not been reported in the literature in individuals affected with PEX6-related conditions. ClinVar contains an entry for this variant (Variation ID: 2144039). An algorithm developed to predict the effect of missense changes on protein structure and function (PolyPhen-2) suggests that this variant is likely to be disruptive. In summary, the available evidence is currently insufficient to determine the role of this variant in disease. Therefore, it has been classified as a Variant of Uncertain Significance.